The following is an entry in ClinVar:

NM_014780.5(CUL7):c.443C>G (p.Ala148Gly)

Gene: CUL7 (cullin 7; minus strand). Cytogenetic location: 6p21.1.
Variant type: single nucleotide variant.
Coding change: c.443C>G on transcript NM_014780.5 (MANE Select); coding-DNA position 443, C replaced by G.
Protein change: p.Ala148Gly; replaces alanine 148 with glycine.
Molecular consequence: missense variant.
Genome position (GRCh38, 1-based): chr6:43,052,346, G>C on the plus strand (C>G on the coding strand, the complement: CUL7 is on the minus strand). VCF-style: chr6-43052346-G-C. GRCh37 (hg19) VCF-style: chr6-43020084-G-C.
Other names: c.443C>G, p.Ala148Gly (NM_001168370.2, NM_001374872.1, NM_001374873.1 and 1 more transcripts); short protein forms A148G.
Identifiers: ClinVar variation 3726026 (VCV003726026.3).

ClinVar aggregate classification (germline): Uncertain significance. Review status: criteria provided, multiple submitters, no conflicts (2 of 4 stars). 2 submissions from 2 submitters: Uncertain significance (2). Last evaluated 2025-04-16.

gnomAD v4.1: 63 of 1,614,106 alleles (0.0039%); highest among the groups gnomAD compares: Admixed American, 0.017%; 1 homozygote.

Submissions (2):

Women's Health and Genetics/Laboratory Corporation of America, LabCorp
Classification: Uncertain significance. Last evaluated: 2025-04-16. Review status: criteria provided, single submitter. Criteria: LabCorp Variant Classification Summary - May 2015. Collection method: clinical testing. Allele origin: germline.
Comment: Variant summary: CUL7 c.443C>G (p.Ala148Gly) results in a non-conservative amino acid change in the encoded protein sequence. Four of five in-silico tools predict a damaging effect of the variant on protein function. The variant allele was found at a frequency of 4.8e-05 in 251402 control chromosomes. This frequency is not significantly higher than estimated for a pathogenic variant in CUL7 causing Three M Syndrome 1 (4.8e-05 vs 0.0011), allowing no conclusion about variant significance. To our knowledge, no occurrence of c.443C>G in individuals affected with Three M Syndrome 1 and no experimental evidence demonstrating its impact on protein function have been reported. ClinVar contains an entry for this variant (Variation ID: 3726026). Based on the evidence outlined above, the variant was classified as uncertain significance.

Labcorp Genetics (formerly Invitae), Labcorp
Classification: Uncertain significance. Last evaluated: 2025-01-27. Review status: criteria provided, single submitter. Criteria: Invitae Variant Classification Sherloc (09022015). Collection method: clinical testing. Allele origin: germline.
Comment: This sequence change replaces alanine, which is neutral and non-polar, with glycine, which is neutral and non-polar, at codon 148 of the CUL7 protein (p.Ala148Gly). This variant is present in population databases (rs777504656, gnomAD 0.02%). This variant has not been reported in the literature in individuals affected with CUL7-related conditions. An algorithm developed to predict the effect of missense changes on protein structure and function (PolyPhen-2) suggests that this variant is likely to be disruptive. In summary, the available evidence is currently insufficient to determine the role of this variant in disease. Therefore, it has been classified as a Variant of Uncertain Significance.